The following is an entry in ClinVar:

ClinVar aggregate classification (germline): Benign. Review status: criteria provided, multiple submitters, no conflicts (2 of 4 stars). 3 submissions from 3 submitters: Benign (3). Last evaluated 2024-11-27.

Allele frequency attached by ClinVar (database versions not stated): 1000 Genomes Project 0.75839; 1000 Genomes Project 30x 0.76046; TOPMed 0.82518; gnomAD 0.84558 and 0.84814; gnomAD exomes 0.84986 and 0.91084; ExAC 0.85577; ESP Exome Variant Server 0.86437.
gnomAD v4.1: 1,458,754 of 1,613,842 alleles (90%); highest among the groups gnomAD compares: Non-Finnish European, 94%; 664,991 homozygotes.

Submissions (3):

Blueprint Genetics
Classification: Benign. Last evaluated: 2024-11-27. Review status: criteria provided, single submitter. Criteria: ACMG Guidelines, 2015. Collection method: clinical testing. Allele origin: germline.

GeneDx
Classification: Benign. Last evaluated: 2019-06-19. Review status: criteria provided, single submitter. Criteria: GeneDx Variant Classification Process June 2021. Collection method: clinical testing. Allele origin: germline. Affected: yes.
Comment: This variant is associated with the following publications: (PMID: 26095787)

Breakthrough Genomics
Classification: Benign. Review status: criteria provided, single submitter. Criteria: ACMG Guidelines, 2015. Collection method: not provided. Allele origin: germline. Inheritance: Autosomal dominant inheritance. Affected: yes.

NM_182643.3(DLC1):c.762A>C (p.Gln254His)

Gene: DLC1 (DLC1 Rho GTPase activating protein; minus strand). Cytogenetic location: 8p22.
Variant type: single nucleotide variant.
Coding change: c.762A>C on transcript NM_182643.3 (MANE Select); coding-DNA position 762, A replaced by C.
Protein change: p.Gln254His; replaces glutamine 254 with histidine.
Molecular consequence: missense variant. On other transcripts: 5 prime UTR variant (1).
Genome position (GRCh38, 1-based): chr8:13,499,310, T>G on the plus strand (A>C on the coding strand, the complement: DLC1 is on the minus strand). VCF-style: chr8-13499310-T-G. GRCh37 (hg19) VCF-style: chr8-13356819-T-G.
Other names: c.762A>C, p.Gln254His (NM_001348081.2, NM_024767.5); c.-690A>C (NM_001348082.2); short protein forms Q254H.
Identifiers: ClinVar variation 1222558 (VCV001222558.5), dbSNP rs11203495, ClinGen allele CA4639412.